The following is an entry in ClinVar:

ClinVar aggregate classification (germline): Benign (1 of 4 stars; one submission).

Conditions:
Phosphoenolpyruvate carboxykinase deficiency, cytosolic (PCKDC). Also called: PCK1 DEFICIENCY, CYTOSOLIC; PEPCK DEFICIENCY, CYTOSOLIC. Identifiers: Orphanet 2880, MedGen C5574905, MONDO:0009866, OMIM 261680.

Allele frequency attached by ClinVar (database versions not stated): gnomAD 0.00897 and 0.00989; gnomAD exomes 0.05659; 1000 Genomes Project 0.06629.
gnomAD v4.1: 241 of 14,732 alleles (1.6%); highest among the groups gnomAD compares: Middle Eastern, 14%; 3 homozygotes.

Submission:

Illumina Laboratory Services, Illumina
Classification: Benign for Phosphoenolpyruvate carboxykinase deficiency, cytosolic. Last evaluated: 2018-01-12. Review status: criteria provided, single submitter. Criteria: ICSL Variant Classification Criteria 13 December 2019. Collection method: clinical testing. Allele origin: germline.
Comment: This variant was observed in the ICSL laboratory as part of a predisposition screen in an ostensibly healthy population. It had not been previously curated by ICSL or reported in the Human Gene Mutation Database (HGMD: prior to June 1st, 2018), and was therefore a candidate for classification through an automated scoring system. Utilizing variant allele frequency, disease prevalence and penetrance estimates, and inheritance mode, an automated score was calculated to assess if this variant is too frequent to cause the disease. Based on the score and internal cut-off values, a variant classified as benign is not then subjected to further curation. The score for this variant resulted in a classification of benign for this disease.

NM_002591.4(PCK1):c.*359G>A

Gene: PCK1 (phosphoenolpyruvate carboxykinase 1; plus strand). Cytogenetic location: 20q13.31.
Variant type: single nucleotide variant.
Coding change: c.*359G>A on transcript NM_002591.4 (MANE Select); 359 bases downstream of the stop codon, G replaced by A.
Molecular consequence: 3 prime UTR variant.
Genome position (GRCh38, 1-based): chr20:57,566,163, G>A. VCF-style: chr20-57566163-G-A. GRCh37 (hg19) VCF-style: chr20-56141219-G-A.
Identifiers: ClinVar variation 338913 (VCV000338913.5), dbSNP rs3211338, ClinGen allele CA10649938.